The following is an entry in ClinVar:

NM_004466.6(GPC5):c.776C>G (p.Pro259Arg)

Gene: GPC5 (glypican 5; plus strand). Cytogenetic location: 13q31.3.
Variant type: single nucleotide variant.
Coding change: c.776C>G on transcript NM_004466.6 (MANE Select); coding-DNA position 776, C replaced by G.
Protein change: p.Pro259Arg; replaces proline 259 with arginine.
Molecular consequence: missense variant.
Genome position (GRCh38, 1-based): chr13:91,693,637, C>G. VCF-style: chr13-91693637-C-G. GRCh37 (hg19) VCF-style: chr13-92345891-C-G.
Other names: short protein forms P259R.
Identifiers: ClinVar variation 3054299 (VCV003054299.2), dbSNP rs141328977, ClinGen allele CA7016395.
Genomic context (GRCh38, chr13:91,693,637, plus strand): 5'-CAGACTATCTGCACTTCTCCAAAGAGTGCAGCAGAGCCCTCCTGAAGATGCAATACTGCC[C>G]GCACTGCCAAGGCCTGGCGCTCACTAAGCCTTGTATGGGATACTGCCTCAATGTCATGCG-3'
Protein context (NP_004457.1, residues 249-269): SRALLKMQYC[Pro259Arg]HCQGLALTKP

ClinVar aggregate classification (germline): Likely benign (0 of 4 stars; one submission).

Conditions:
GPC5-related disorder. Also called: GPC5-related condition.

Allele frequency attached by ClinVar (database versions not stated): gnomAD 0.00012; 1000 Genomes Project 30x 0.00047; ExAC 0.00053; 1000 Genomes Project 0.00060.
gnomAD v4.1: 383 of 1,614,070 alleles (0.024%); highest among the groups gnomAD compares: South Asian, 0.41%; 6 homozygotes.

Submission:

PreventionGenetics, part of Exact Sciences
Classification: Likely benign for GPC5-related condition. Last evaluated: 2022-03-21. Review status: no assertion criteria provided. Collection method: clinical testing. Allele origin: germline.
Comment: This variant is classified as likely benign based on ACMG/AMP sequence variant interpretation guidelines (Richards et al. 2015 PMID: 25741868, with internal and published modifications).